The following is an entry in ClinVar:

ClinVar aggregate classification (germline): Pathogenic (1 of 4 stars; one submission).

Submission:

GeneDx
Classification: Pathogenic. Last evaluated: 2026-10-01. Review status: criteria provided, single submitter. Criteria: GeneDx Variant Classification Process June 2021. Collection method: clinical testing. Allele origin: germline.
Comment: Published functional studies demonstrate a damaging effect: decreased uptake of glucose (PMID: 21069159); Reported as paternally inherited in a patient with intellectual disability, but detailed clinical information was not provided on this individual or their father (PMID: 32005694); In silico analysis supports that this missense variant has a deleterious effect on protein structure/function; Not observed at significant frequency in large population cohorts (gnomAD); This variant is associated with the following publications: (PMID: 17718830, 28510035, 25919356, 15326030, 12029447, 25616474, 40534680, 24847886, 25525159, 10980529, 12325075, 32025761, 25863194, 21069159, 26193382, 40405536, 40048124, 32005694)

NM_006516.4(SLC2A1):c.436G>A (p.Glu146Lys)

Gene: SLC2A1 (solute carrier family 2 member 1; minus strand). Cytogenetic location: 1p34.2.
Variant type: single nucleotide variant.
Coding change: c.436G>A on transcript NM_006516.4 (MANE Select); coding-DNA position 436, G replaced by A.
Protein change: p.Glu146Lys; replaces glutamic acid 146 with lysine.
Molecular consequence: missense variant.
Genome position (GRCh38, 1-based): chr1:42,930,706, C>T on the plus strand (G>A on the coding strand, the complement: SLC2A1 is on the minus strand). VCF-style: chr1-42930706-C-T. GRCh37 (hg19) VCF-style: chr1-43396377-C-T.
Other names: short protein forms E146K.
Identifiers: ClinVar variation 1686713 (VCV001686713.4), dbSNP rs80359820, ClinGen allele CA21252032.